The following is an entry in ClinVar:

NM_017514.5(PLXNA3):c.2900_2901inv (p.Thr967Met)

Gene: PLXNA3 (plexin A3; plus strand). Cytogenetic location: Xq28.
Variant type: Inversion.
Coding change: c.2900_2901inv on transcript NM_017514.5 (MANE Select).
Protein change: p.Thr967Met; replaces threonine 967 with methionine.
Molecular consequence: missense variant.
Genome position: GRCh38 VCF-style: chrX-154466476-CA-TG. GRCh37 (hg19) VCF-style: chrX-153694819-CA-TG.
Other names: c.2900_2901delinsTG (NM_017514.4); short protein forms T967M.
Identifiers: ClinVar variation 3354809 (VCV003354809.2).

ClinVar aggregate classification (germline): Uncertain significance (1 of 4 stars; one submission).

Conditions:
PLXNA3-related disorder. Also called: PLXNA3-related condition.

Submission:

PreventionGenetics, part of Exact Sciences
Classification: Uncertain significance for PLXNA3-related condition. Last evaluated: 2026-08-18. Review status: criteria provided, single submitter. Criteria: ACMG Guidelines, 2015. Collection method: clinical testing. Allele origin: germline.
Comment: The PLXNA3 c.2900_2901delinsTG variant is predicted to result in an in-frame deletion and insertion. To our knowledge, this variant has not been reported in the literature or as an indel in gnomAD. It has been reported as two individual variants on the same allele in 0.03% (6 heterozygotes) of individuals of African descent in gnomAD (reported as X-153694819-C-T and X-153694820-A-G in hg19). At this time, the clinical significance of this variant is uncertain due to the absence of conclusive functional and genetic evidence.